The following is an entry in ClinVar:

ClinVar aggregate classification (germline): Pathogenic (1 of 4 stars; one submission).

Conditions:
Mucopolysaccharidosis, MPS-II (MPS2). Also called: Hunter Syndrome; IDURONATE 2-SULFATASE DEFICIENCY; Mucopolysaccharidosis Type II; Mucopolysaccharidosis type 2; Attenuated MPS (subtype; formerly known as mild MPS II); Severe MPS II. Identifiers: Orphanet 580, Orphanet 79388, MedGen C0026705, MONDO:0010674, OMIM 309900.

Submission:

Laboratory of Diagnosis and Therapy of Lysosomal Disorders, University of Padova
Classification: Pathogenic for Mucopolysaccharidosis, MPS-II. Last evaluated: 2024-06-07. Review status: criteria provided, single submitter. Criteria: ACMG Guidelines, 2015. Collection method: literature only. Allele origin: germline. Affected: yes. Observed: 1 variant allele.
Comment: Null variant (PVS1_VeryStrong), Absent from controls (or at low frequency) in gnomAD database (PM2_Moderate), Patient’s phenotype or family history highly specific for the disease (PP4_Strong)

Classification method: ACMG Guidelines [PMID:25741868] with modifications

Literature cited by the submitters: PubMed 27883178.

NM_000202.8(IDS):c.241_284del

Gene: IDS (iduronate 2-sulfatase; minus strand). Cytogenetic location: Xq28.
Variant type: Deletion.
Coding change: c.241_284del on transcript NM_000202.8 (MANE Select); coding-DNA positions 241 to 284, 44 bases deleted.
Molecular consequence: splice acceptor variant.
Genome position (GRCh38, 1-based): chrX:149,503,446-149,503,489, 44 bases deleted; deleting any 44 consecutive bases within chrX:149,503,446-149,503,492 gives the same sequence; the c. name uses the placement nearest the transcript's 3' end. GRCh37 (hg19): chrX:148,584,979-148,585,022.
Other names: c.15-44_15-1del (NM_001166550.4).
Identifiers: ClinVar variation 3256109 (VCV003256109.2).
Genomic context (GRCh38, chrX:149,503,445, plus strand): 5'-GTTTCCAGCGTGCACCCTCCAGTAGGAGTTGAAGTCGTACAGGCGGGTGGTGTCAGGTCT[CCTGCCAGTGAGGAAAGAAACGCGGCTCGGGGCGCACACTGCTTG>C]CTGTTAGGGAGCAGAAGCAGAGGTAAGCATCGCCACAGCAAAACATGTCTGCCATCTCTT-3'